The following is an entry in ClinVar:

NM_021815.5(SLC5A7):c.1685C>A (p.Ala562Asp)

Gene: SLC5A7 (solute carrier family 5 member 7; plus strand). Cytogenetic location: 2q12.3.
Variant type: single nucleotide variant.
Coding change: c.1685C>A on transcript NM_021815.5 (MANE Select); coding-DNA position 1685, C replaced by A.
Protein change: p.Ala562Asp; replaces alanine 562 with aspartic acid.
Molecular consequence: missense variant.
Genome position (GRCh38, 1-based): chr2:108,010,803, C>A. VCF-style: chr2-108010803-C-A. GRCh37 (hg19) VCF-style: chr2-108627259-C-A.
Other names: c.1685C>A (NM_021815.4, NM_021815.2); c.1685C>A, p.Ala562Asp (NM_001305005.3); c.1370C>A, p.Ala457Asp (NM_001305006.3); c.944C>A, p.Ala315Asp (NM_001305007.3); short protein forms A457D, A315D, A562D.
Identifiers: ClinVar variation 2138794 (VCV002138794.24), dbSNP rs776388070, ClinGen allele CA1819216.
Genomic context (GRCh38, chr2:108,010,803, plus strand): 5'-TTGCACTTGTGAAGCCACGACAGAGCATGACCCTCAGCTCAACTTTCACCAATAAAGAGG[C>A]CTTCCTTGATGTTGATTCCAGTCCAGAAGGGTCTGGGACTGAAGATAATTTACAGTGACC-3'
Protein context (NP_068587.1, residues 552-572): TLSSTFTNKE[Ala562Asp]FLDVDSSPEG

ClinVar aggregate classification (germline): Uncertain significance. Review status: criteria provided, multiple submitters, no conflicts (2 of 4 stars). 6 submissions from 6 submitters: Uncertain significance (6). Last evaluated 2025-06-28.

Conditions:
SLC5A7-related disorder. Also called: SLC5A7-related condition.
Congenital myasthenic syndrome 20. Also called: Myasthenic syndrome, congenital, 20, presynaptic. Identifiers: MedGen C4310694, MONDO:0014939, OMIM 617143.
Neuronopathy, distal hereditary motor, type 7A. Also called: Neuronopathy, distal hereditary motor, type viia; SPINAL MUSCULAR ATROPHY, DISTAL, WITH VOCAL CORD PARALYSIS; NEURONOPATHY, DISTAL HEREDITARY MOTOR, HARDING TYPE VIIA; NEUROPATHY, DISTAL HEREDITARY MOTOR, HARDING TYPE VIIA; Neuronopathy, distal hereditary motor, autosomal dominant 7; HARPER-YOUNG MYOPATHY. Identifiers: Orphanet 139589, MedGen C1834703, MONDO:0008024, OMIM 158580.
Inborn genetic diseases. Identifiers: MedGen C0950123, MeSH D030342.

Allele frequency attached by ClinVar (database versions not stated): ExAC 0.00002.
gnomAD v4.1: 47 of 1,612,146 alleles (0.0029%); highest among the groups gnomAD compares: Middle Eastern, 0.05%; 1 homozygote.

Submissions (6):

GeneDx
Classification: Uncertain significance. Last evaluated: 2025-06-28. Review status: criteria provided, single submitter. Criteria: GeneDx Variant Classification Process June 2021. Collection method: clinical testing. Allele origin: germline. Affected: yes.
Comment: In silico analysis suggests that this missense variant does not alter protein structure/function; Has not been previously published as pathogenic or benign to our knowledge

PreventionGenetics, part of Exact Sciences
Classification: Uncertain significance for SLC5A7-related condition. Last evaluated: 2025-06-03. Review status: criteria provided, single submitter. Criteria: ACMG Guidelines, 2015. Collection method: clinical testing. Allele origin: germline.
Comment: The SLC5A7 c.1685C>A variant is predicted to result in the amino acid substitution p.Ala562Asp. To our knowledge, this variant has not been reported in the literature. This variant is reported in 0.010% of alleles in individuals of East Asian descent in gnomAD. At this time, the clinical significance of this variant is uncertain due to the absence of conclusive functional and genetic evidence.

Ambry Genetics
Classification: Uncertain significance for Inborn genetic diseases. Last evaluated: 2024-05-08. Review status: criteria provided, single submitter. Criteria: Ambry Variant Classification Scheme 2023. Collection method: clinical testing. Allele origin: germline.

Revvity Omics, Revvity
Classification: Uncertain significance. Last evaluated: 2024-04-04. Review status: criteria provided, single submitter. Criteria: ACMG Guidelines, 2015. Collection method: clinical testing. Allele origin: germline.

CeGaT Center for Human Genetics Tuebingen
Classification: Uncertain significance. Last evaluated: 2024-04-01. Review status: criteria provided, single submitter. Criteria: CeGaT Center For Human Genetics Tuebingen Variant Classification Criteria Version 2. Collection method: clinical testing. Allele origin: germline. Affected: yes. Observed: 1 variant allele.

Labcorp Genetics (formerly Invitae), Labcorp
Classification: Uncertain significance for Neuronopathy, distal hereditary motor, type 7A; Congenital myasthenic syndrome 20. Last evaluated: 2022-10-05. Review status: criteria provided, single submitter. Criteria: Invitae Variant Classification Sherloc (09022015). Collection method: clinical testing. Allele origin: germline.
Comment: This sequence change replaces alanine, which is neutral and non-polar, with aspartic acid, which is acidic and polar, at codon 562 of the SLC5A7 protein (p.Ala562Asp). This variant is present in population databases (rs776388070, gnomAD 0.01%). This variant has not been reported in the literature in individuals affected with SLC5A7-related conditions. Algorithms developed to predict the effect of missense changes on protein structure and function (SIFT, PolyPhen-2, Align-GVGD) all suggest that this variant is likely to be tolerated. In summary, the available evidence is currently insufficient to determine the role of this variant in disease. Therefore, it has been classified as a Variant of Uncertain Significance.